The following is an entry in ClinVar:

ClinVar aggregate classification (germline): Uncertain significance (1 of 4 stars; one submission).

Conditions:
Inborn genetic diseases. Identifiers: MedGen C0950123, MeSH D030342.

Submission:

Ambry Genetics
Classification: Uncertain significance for Inborn genetic diseases. Last evaluated: 2025-06-06. Review status: criteria provided, single submitter. Criteria: Ambry Variant Classification Scheme 2023. Collection method: clinical testing. Allele origin: germline.
Comment: The p.E134G variant (also known as c.401A>G), located in coding exon 5 of the BUB1B gene, results from an A to G substitution at nucleotide position 401. The glutamic acid at codon 134 is replaced by glycine, an amino acid with similar properties. This amino acid position is conserved. In addition, this alteration is predicted to be deleterious by in silico analysis. Based on the available evidence, the clinical significance of this variant remains unclear.

NM_001211.6(BUB1B):c.401A>G (p.Glu134Gly)

Gene: BUB1B (BUB1 mitotic checkpoint serine/threonine kinase B; plus strand). Cytogenetic location: 15q15.1.
Variant type: single nucleotide variant.
Coding change: c.401A>G on transcript NM_001211.6 (MANE Select); coding-DNA position 401, A replaced by G.
Protein change: p.Glu134Gly; replaces glutamic acid 134 with glycine.
Molecular consequence: missense variant.
Genome position (GRCh38, 1-based): chr15:40,176,493, A>G. VCF-style: chr15-40176493-A-G. GRCh37 (hg19) VCF-style: chr15-40468694-A-G.
Other names: short protein forms E134G.
Identifiers: ClinVar variation 3993744 (VCV003993744.1).